The following is an entry in ClinVar:

ClinVar aggregate classification (germline): Pathogenic (1 of 4 stars; one submission).

Conditions:
Hereditary breast ovarian cancer syndrome. Also called: Hereditary breast and ovarian cancer syndrome (HBOC); Hereditary breast and ovarian cancer syndrome; Breast and ovarian cancer; Hereditary breast and/or ovarian cancer syndrome; Hereditary breast and ovarian cancer; BRCA1- and BRCA2-Associated Hereditary Breast and Ovarian Cancer. Identifiers: Orphanet 145, MedGen C0677776, MeSH D061325, MONDO:0003582. Disease mechanism: loss of function.

Submission:

Labcorp Genetics (formerly Invitae), Labcorp
Classification: Pathogenic for Hereditary breast and ovarian cancer syndrome. Last evaluated: 2018-08-24. Review status: criteria provided, single submitter. Criteria: Invitae Variant Classification Sherloc (09022015). Collection method: clinical testing. Allele origin: germline.
Comment: This variant is a gross deletion of the genomic region encompassing part of exon 3 (c.105_c.134+1007) of the BRCA1 gene. It is expected to disrupt RNA splicing and likely results in an absent or disrupted protein product. This variant has not been reported in the literature in individuals with BRCA1-related disease.Â¬â€ ClinVar contains an entry for this variant (Variation ID:Â¬â€ 462546). Loss-of-function variants in BRCA1 are known to be pathogenic (PMID: 20104584). For these reasons, this variant has been classified as Pathogenic.

NM_007294.4(BRCA1):c.105_134+1007del

Gene: BRCA1 (BRCA1 DNA repair associated; minus strand). Cytogenetic location: 17q21.31.
Variant type: Deletion.
Coding change: c.105_134+1007del on transcript NM_007294.4 (MANE Select); coding-DNA position 105 through 1007 bases into the intron after coding-DNA position 134, 1,037 bases deleted.
Molecular consequence: splice donor variant. On other transcripts: intron variant (41).
Genome position (GRCh38, 1-based): chr17:43,114,719-43,115,755, 1,037 bases deleted. GRCh37 (hg19): chr17:41,266,736-41,267,772.
Other names: c.-37_-8+1007del (NM_001408458.1, NM_001408470.1, NM_001407848.1 and 47 more transcripts); c.-219+9522_-219+10558del (NM_001407967.1); c.-170+9522_-169-9763del (NM_001407959.1); c.-7-9222_-7-8186del (NM_001407931.1, NM_001407747.1, NM_001408511.1 and 2 more transcripts); c.-199_-170+1007del (NM_001407962.1, NM_001408512.1, NM_001408510.1 and 1 more transcripts); c.-84_-55+1007del (NM_001407885.1, NM_001407886.1, NM_001408509.1 and 52 more transcripts); c.-153_-124+1007del (NM_001407746.1, NM_001408468.1, NM_001407842.1 and 13 more transcripts); c.-8+8262_-7-8186del (NM_001408461.1, NM_001407738.1, NM_001407932.1 and 23 more transcripts); and 10 more.
Identifiers: ClinVar variation 462546 (VCV000462546.3), ClinGen allele CA658656684.